The following is an entry in ClinVar:

NM_006939.4(SOS2):c.3408A>T (p.Leu1136Phe)

Gene: SOS2 (SOS Ras/Rho guanine nucleotide exchange factor 2; minus strand). Cytogenetic location: 14q21.3.
Variant type: single nucleotide variant.
Coding change: c.3408A>T on transcript NM_006939.4 (MANE Select); coding-DNA position 3408, A replaced by T.
Protein change: p.Leu1136Phe; replaces leucine 1136 with phenylalanine.
Molecular consequence: missense variant.
Genome position (GRCh38, 1-based): chr14:50,120,356, T>A on the plus strand (A>T on the coding strand, the complement: SOS2 is on the minus strand). VCF-style: chr14-50120356-T-A. GRCh37 (hg19) VCF-style: chr14-50587074-T-A.
Other names: c.3309A>T, p.Leu1103Phe (NM_001411020.1); short protein forms L1103F, L1136F.
Identifiers: ClinVar variation 2128807 (VCV002128807.4), dbSNP rs2502768738, ClinGen allele CA389639309.

ClinVar aggregate classification (germline): Uncertain significance (1 of 4 stars; one submission).

Conditions:
Noonan syndrome 9 (NS9). Identifiers: Orphanet 648, MedGen C4225282, MONDO:0014691, OMIM 616559.

Submission:

Labcorp Genetics (formerly Invitae), Labcorp
Classification: Uncertain significance for Noonan syndrome 9. Last evaluated: 2022-06-19. Review status: criteria provided, single submitter. Criteria: Invitae Variant Classification Sherloc (09022015). Collection method: clinical testing. Allele origin: germline.
Comment: In summary, the available evidence is currently insufficient to determine the role of this variant in disease. Therefore, it has been classified as a Variant of Uncertain Significance. Advanced modeling of protein sequence and biophysical properties (such as structural, functional, and spatial information, amino acid conservation, physicochemical variation, residue mobility, and thermodynamic stability) performed at Invitae indicates that this missense variant is not expected to disrupt SOS2 protein function. This variant has not been reported in the literature in individuals affected with SOS2-related conditions. This variant is not present in population databases (gnomAD no frequency). This sequence change replaces leucine, which is neutral and non-polar, with phenylalanine, which is neutral and non-polar, at codon 1136 of the SOS2 protein (p.Leu1136Phe).